The following is an entry in ClinVar:

ClinVar aggregate classification (germline): Uncertain significance (1 of 4 stars; one submission).

Allele frequency attached by ClinVar (database versions not stated): TOPMed below 0.00001.

Submission:

Labcorp Genetics (formerly Invitae), Labcorp
Classification: Uncertain significance. Last evaluated: 2022-11-01. Review status: criteria provided, single submitter. Criteria: Invitae Variant Classification Sherloc (09022015). Collection method: clinical testing. Allele origin: germline.
Comment: This sequence change replaces tryptophan, which is neutral and slightly polar, with cysteine, which is neutral and slightly polar, at codon 763 of the EYS protein (p.Trp763Cys). This variant is not present in population databases (gnomAD no frequency). This variant has not been reported in the literature in individuals affected with EYS-related conditions. ClinVar contains an entry for this variant (Variation ID: 1366405). Algorithms developed to predict the effect of missense changes on protein structure and function output the following: SIFT: "Deleterious"; PolyPhen-2: "Probably Damaging"; Align-GVGD: "Class C45". The cysteine amino acid residue is found in multiple mammalian species, which suggests that this missense change does not adversely affect protein function. In summary, the available evidence is currently insufficient to determine the role of this variant in disease. Therefore, it has been classified as a Variant of Uncertain Significance.

NM_001142800.2(EYS):c.2289G>T (p.Trp763Cys)

Gene: EYS (EGF-like photoreceptor maintenance factor; minus strand). Cytogenetic location: 6q12.
Variant type: single nucleotide variant.
Coding change: c.2289G>T on transcript NM_001142800.2 (MANE Select); coding-DNA position 2289, G replaced by T.
Protein change: p.Trp763Cys; replaces tryptophan 763 with cysteine.
Molecular consequence: missense variant.
Genome position (GRCh38, 1-based): chr6:64,945,885, C>A on the plus strand (G>T on the coding strand, the complement: EYS is on the minus strand). VCF-style: chr6-64945885-C-A. GRCh37 (hg19) VCF-style: chr6-65655778-C-A.
Other names: c.2289G>T, p.Trp763Cys (NM_001292009.2); short protein forms W763C.
Identifiers: ClinVar variation 1366405 (VCV001366405.8), dbSNP rs1769272826, ClinGen allele CA364788225.